The following is an entry in ClinVar:

NM_001197104.2(KMT2A):c.10285A>G (p.Ile3429Val)

Gene: KMT2A (lysine methyltransferase 2A; plus strand). Cytogenetic location: 11q23.3.
Variant type: single nucleotide variant.
Coding change: c.10285A>G on transcript NM_001197104.2 (MANE Select); coding-DNA position 10285, A replaced by G.
Protein change: p.Ile3429Val; replaces isoleucine 3429 with valine.
Molecular consequence: missense variant.
Genome position (GRCh38, 1-based): chr11:118,506,177, A>G. VCF-style: chr11-118506177-A-G. GRCh37 (hg19) VCF-style: chr11-118376892-A-G.
Other names: c.10375A>G, p.Ile3459Val (NM_001412597.1); c.10276A>G, p.Ile3426Val (NM_005933.4); short protein forms I3426V, I3429V, I3459V.
Identifiers: ClinVar variation 2762458 (VCV002762458.3), dbSNP rs2497028878, ClinGen allele CA382823169.

ClinVar aggregate classification (germline): Uncertain significance (1 of 4 stars; one submission).

Allele frequency attached by ClinVar (database versions not stated): gnomAD exomes below 0.00001.
gnomAD v4.1: 2 of 1,614,168 alleles (0.00012%); highest among the groups gnomAD compares: Non-Finnish European, 0.00017%; no homozygotes.

Submission:

Labcorp Genetics (formerly Invitae), Labcorp
Classification: Uncertain significance. Last evaluated: 2023-10-08. Review status: criteria provided, single submitter. Criteria: Invitae Variant Classification Sherloc (09022015). Collection method: clinical testing. Allele origin: germline.
Comment: This sequence change replaces isoleucine, which is neutral and non-polar, with valine, which is neutral and non-polar, at codon 3429 of the KMT2A protein (p.Ile3429Val). This variant is not present in population databases (gnomAD no frequency). This variant has not been reported in the literature in individuals affected with KMT2A-related conditions. Advanced modeling of protein sequence and biophysical properties (such as structural, functional, and spatial information, amino acid conservation, physicochemical variation, residue mobility, and thermodynamic stability) performed at Invitae indicates that this missense variant is not expected to disrupt KMT2A protein function. In summary, the available evidence is currently insufficient to determine the role of this variant in disease. Therefore, it has been classified as a Variant of Uncertain Significance.